The following is an entry in ClinVar:

ClinVar aggregate classification (germline): Uncertain significance (1 of 4 stars; one submission).

Submission:

Women's Health and Genetics/Laboratory Corporation of America, LabCorp
Classification: Uncertain significance. Last evaluated: 2026-03-26. Review status: criteria provided, single submitter. Criteria: LabCorp Variant Classification Summary - May 2015. Collection method: clinical testing. Allele origin: germline.
Comment: Variant summary: The variant involves a large deletion located in the untranscribed region downstream of the FKTN gene region. A presumed nomenclature of c.*3465_(*5855_?)del has been designated for the purposes of this classification. The variant was absent in 120780 control chromosomes in the gnomAD database (Structural Variants v4.1 dataset). The available data on variant occurrences in the general population are insufficient to allow any conclusion about variant significance. An overlapping, smaller deletion variant has been observed in an individual affected with clinical features of Walker-Warburg Syndrome (Cotarelo_2008). This report does not provide unequivocal conclusions about association of the variant with Walker-Warburg Syndrome. To our knowledge, no experimental evidence demonstrating an impact on protein function has been reported. The following publication have been ascertained in the context of this evaluation (PMID: 18177472). No submitters have cited clinical-significance assessments for this variant to ClinVar. Based on the evidence outlined above, the variant was classified as uncertain significance.

Literature cited by the submitters: PubMed 18177472.

NM_006731.2:c.*3465_(*5855_?)del

Gene: FKTN (fukutin; plus strand).
Variant type: Deletion.
Other names: c.*3465_(*5855_?)del (NM_006731.2).
Identifiers: ClinVar variation 4847653 (VCV004847653.1).